The following is an entry in ClinVar:

ClinVar aggregate classification (germline): Uncertain significance. Review status: criteria provided, multiple submitters, no conflicts (2 of 4 stars). 2 submissions from 2 submitters: Uncertain significance (2). Last evaluated 2024-09-10.

gnomAD v4.1: 1 of 1,614,138 alleles (0.000062%); no homozygotes.

Submissions (2):

Revvity Omics, Revvity
Classification: Uncertain significance. Last evaluated: 2024-09-10. Review status: criteria provided, single submitter. Criteria: ACMG Guidelines, 2015. Collection method: clinical testing. Allele origin: germline.

GeneDx
Classification: Uncertain significance. Last evaluated: 2022-07-29. Review status: criteria provided, single submitter. Criteria: GeneDx Variant Classification Process June 2021. Collection method: clinical testing. Allele origin: germline. Affected: yes.
Comment: Not observed at significant frequency in large population cohorts (gnomAD); In silico analysis supports that this missense variant has a deleterious effect on protein structure/function; Has not been previously published as pathogenic or benign to our knowledge

NM_000188.3(HK1):c.1178T>C (p.Ile393Thr)

Gene: HK1 (hexokinase 1; plus strand). Cytogenetic location: 10q22.1.
Variant type: single nucleotide variant.
Coding change: c.1178T>C on transcript NM_000188.3 (MANE Select); coding-DNA position 1178, T replaced by C.
Protein change: p.Ile393Thr; replaces isoleucine 393 with threonine.
Molecular consequence: missense variant.
Genome position (GRCh38, 1-based): chr10:69,380,008, T>C. VCF-style: chr10-69380008-T-C. GRCh37 (hg19) VCF-style: chr10-71139764-T-C.
Other names: c.1190T>C, p.Ile397Thr (NM_001322364.2, NM_001358263.1, NM_033497.3 and 1 more transcripts); c.1283T>C, p.Ile428Thr (NM_001322365.2); c.1094T>C, p.Ile365Thr (NM_001322366.1); c.1082T>C, p.Ile361Thr (NM_001322367.1); c.1175T>C, p.Ile392Thr (NM_033496.3); c.1142T>C, p.Ile381Thr (NM_033500.2); short protein forms I361T, I365T, I381T, I392T, I393T, I397T, I428T.
Identifiers: ClinVar variation 2412836 (VCV002412836.4), dbSNP rs2540411354, ClinGen allele CA376917506.
Genomic context (GRCh38, chr10:69,380,008, plus strand): 5'-ACGTTTGCACCATTGTCTCATTTCGCTCAGCCAACTTGGTGGCTGCCACACTGGGCGCCA[T>C]CTTGAACCGCCTGCGTGATAACAAGGGCACACCCAGGCTGCGGACCACGGTTGGTGTCGA-3'
Protein context (NP_000179.2, residues 383-403): ANLVAATLGA[Ile393Thr]LNRLRDNKGT